The following is an entry in ClinVar:

ClinVar aggregate classification (germline): Uncertain significance (1 of 4 stars; one submission).

Conditions:
Granulomatous disease, chronic, autosomal recessive, cytochrome b-negative. Also called: CYBA DEFICIENCY; GRANULOMATOUS DISEASE, CHRONIC, AUTOSOMAL RECESSIVE, 4; Chronic granulomatous disease, autosomal, due to deficiency of CYBA; CGD DUE TO DEFICIENCY OF THE ALPHA SUBUNIT OF CYTOCHROME b; CGD, AUTOSOMAL RECESSIVE CYTOCHROME b-NEGATIVE. Identifiers: Orphanet 379, MedGen C1856255, MONDO:0009308, OMIM 233690.

Submission:

Labcorp Genetics (formerly Invitae), Labcorp
Classification: Uncertain significance for Granulomatous disease, chronic, autosomal recessive, cytochrome b-negative. Last evaluated: 2020-07-12. Review status: criteria provided, single submitter. Criteria: Invitae Variant Classification Sherloc (09022015). Collection method: clinical testing. Allele origin: germline.
Comment: In summary, the available evidence is currently insufficient to determine the role of this variant in disease. Therefore, it has been classified as a Variant of Uncertain Significance. This sequence change replaces leucine with arginine at codon 105 of the CYBA protein (p.Leu105Arg). The leucine residue is highly conserved and there is a moderate physicochemical difference between leucine and arginine. This variant is not present in population databases (ExAC no frequency). This variant has not been reported in the literature in individuals with CYBA-related conditions. Algorithms developed to predict the effect of missense changes on protein structure and function are either unavailable or do not agree on the potential impact of this missense change (SIFT: "Deleterious"; PolyPhen-2: "Probably Damaging"; Align-GVGD: "Class C0").

NM_000101.4(CYBA):c.314T>G (p.Leu105Arg)

Gene: CYBA (cytochrome b-245 alpha chain; minus strand). Cytogenetic location: 16q24.2.
Variant type: single nucleotide variant.
Coding change: c.314T>G on transcript NM_000101.4 (MANE Select); coding-DNA position 314, T replaced by G.
Protein change: p.Leu105Arg; replaces leucine 105 with arginine.
Molecular consequence: missense variant.
Genome position (GRCh38, 1-based): chr16:88,646,171, A>C on the plus strand (T>G on the coding strand, the complement: CYBA is on the minus strand). VCF-style: chr16-88646171-A-C. GRCh37 (hg19) VCF-style: chr16-88712579-A-C.
Other names: short protein forms L105R.
Identifiers: ClinVar variation 1055051 (VCV001055051.9), dbSNP rs2142873902, ClinGen allele CA397063205.
Genomic context (GRCh38, chr16:88,646,171, plus strand): 5'-CTCACCAGTAGGTAGATGCCGCTCGCAATGGCCAGGCAGGCGGTCCCAAGGATGGTGGCC[A>C]GCAGGAAGCCGGCGGGCACCGAGAGCCTGGGGGACAGCGGGTGAGAGGCAGGGACACAGA-3'
Protein context (NP_000092.2, residues 95-115): LLLSVPAGFL[Leu105Arg]ATILGTACLA